The following is an entry in ClinVar:

NM_145239.3(PRRT2):c.464C>T (p.Ala155Val)

Genes: MVP-DT (MVP divergent transcript; minus strand), PRRT2 (proline rich transmembrane protein 2; plus strand). Cytogenetic location: 16p11.2.
Variant type: single nucleotide variant.
Coding change: c.464C>T on transcript NM_145239.3 (MANE Select); coding-DNA position 464, C replaced by T.
Protein change: p.Ala155Val; replaces alanine 155 with valine.
Molecular consequence: missense variant.
Genome position (GRCh38, 1-based): chr16:29,813,518, C>T. VCF-style: chr16-29813518-C-T. GRCh37 (hg19) VCF-style: chr16-29824839-C-T.
Other names: c.464C>T, p.Ala155Val (NM_001256442.2, NM_001256443.2); c.464C>T (NM_145239.2); short protein forms A155V.
Identifiers: ClinVar variation 2630398 (VCV002630398.2), dbSNP rs1053329743, ClinGen allele CA395478754.

ClinVar aggregate classification (germline): Uncertain significance. Review status: criteria provided, multiple submitters, no conflicts (2 of 4 stars). 2 submissions from 2 submitters: Uncertain significance (2). Last evaluated 2024-07-02.

Conditions:
PRRT2-Related Disorder. Also called: PRRT2-related disorders. Identifiers: MedGen CN381059.
Inborn genetic diseases. Identifiers: MedGen C0950123, MeSH D030342.

Submissions (2):

Ambry Genetics
Classification: Uncertain significance for Inborn genetic diseases. Last evaluated: 2024-07-02. Review status: criteria provided, single submitter. Criteria: Ambry Variant Classification Scheme 2023. Collection method: clinical testing. Allele origin: germline.

PreventionGenetics, part of Exact Sciences
Classification: Uncertain significance for PRRT2-related condition. Last evaluated: 2023-02-17. Review status: criteria provided, single submitter. Criteria: ACMG Guidelines, 2015. Collection method: clinical testing. Allele origin: germline.
Comment: The PRRT2 c.464C>T variant is predicted to result in the amino acid substitution p.Ala155Val. To our knowledge, this variant has not been reported in the literature or in a large population database, indicating this variant is rare. At this time, the clinical significance of this variant is uncertain due to the absence of conclusive functional and genetic evidence.